The following is an entry in ClinVar:

NC_000002.11:g.(?_48010211)_(48033885_?)del

Gene: MSH6 (mutS homolog 6; plus strand). Cytogenetic location: 2p16.3.
Variant type: Deletion.
Identifiers: ClinVar variation 1074422 (VCV001074422.1).

ClinVar aggregate classification (germline): Pathogenic (1 of 4 stars; one submission).

Conditions:
Hereditary nonpolyposis colorectal neoplasms. Identifiers: MedGen C0009405, MeSH D003123.

Submission:

Labcorp Genetics (formerly Invitae), Labcorp
Classification: Pathogenic for Hereditary nonpolyposis colorectal neoplasms. Last evaluated: 2014-10-15. Review status: criteria provided, single submitter. Criteria: Invitae Variant Classification Sherloc (09022015). Collection method: clinical testing. Allele origin: germline.
Comment: This sequence change is a gross deletion of the genomic region encompassing the full coding sequence of the MSH6 gene. This deletion extends to both edges of the assayed region, and the 5' and 3' boundaries of this event are not known. This sequence change has been reported in the literature and is not present in population databases. This sequence change was reported in an individual affected with Lynch syndrome (PMID: 18566915). Deletions of the coding sequence of the MSH6 gene are expected to be pathogenic. For these reasons, this sequence change has been classified as Pathogenic.

Literature cited by the submitters: PubMed 18566915.